The following is an entry in ClinVar:

NM_016373.4(WWOX):c.305C>T (p.Thr102Ile)

Gene: WWOX (WW domain containing oxidoreductase; plus strand). Cytogenetic location: 16q23.1.
Variant type: single nucleotide variant.
Coding change: c.305C>T on transcript NM_016373.4 (MANE Select); coding-DNA position 305, C replaced by T.
Protein change: p.Thr102Ile; replaces threonine 102 with isoleucine.
Molecular consequence: missense variant. On other transcripts: 5 prime UTR variant (1), non-coding transcript variant (1).
Genome position (GRCh38, 1-based): chr16:78,115,050, C>T. VCF-style: chr16-78115050-C-T. GRCh37 (hg19) VCF-style: chr16-78148947-C-T.
Other names: c.-35C>T (NM_001291997.2); c.305C>T, p.Thr102Ile (NM_130791.5); short protein forms T102I.
Identifiers: ClinVar variation 1008744 (VCV001008744.7), dbSNP rs2032705453, ClinGen allele CA396842432.

ClinVar aggregate classification (germline): Uncertain significance (1 of 4 stars; one submission).

Conditions:
Developmental and epileptic encephalopathy, 1 (DEE1). Also called: Epileptic encephalopathy, early infantile, 1; INFANTILE SPASM SYNDROME, X-LINKED 1; X-linked infantile spasms; West's syndrome; Tonic spasms with clustering, arrest of psychomotor development and hypsarrhythmia on EEG; X-Linked Infantile Spasm Syndrome. Identifiers: MedGen C3463992, MONDO:0010632, OMIM 308350. Disease mechanism: loss of function.
Autosomal recessive spinocerebellar ataxia 12. Also called: SPINOCEREBELLAR ATAXIA WITH MENTAL RETARDATION AND EPILEPSY. Identifiers: Orphanet 284282, MedGen C3280452, MONDO:0013687, OMIM 614322.

Allele frequency attached by ClinVar (database versions not stated): gnomAD exomes below 0.00001.
gnomAD v4.1: 2 of 1,614,200 alleles (0.00012%); highest among the groups gnomAD compares: East Asian, 0.0022%; no homozygotes.

Submission:

Labcorp Genetics (formerly Invitae), Labcorp
Classification: Uncertain significance for Developmental and epileptic encephalopathy, 1; Autosomal recessive spinocerebellar ataxia 12. Last evaluated: 2021-05-10. Review status: criteria provided, single submitter. Criteria: Invitae Variant Classification Sherloc (09022015). Collection method: clinical testing. Allele origin: germline.
Comment: In summary, the available evidence is currently insufficient to determine the role of this variant in disease. Therefore, it has been classified as a Variant of Uncertain Significance. Algorithms developed to predict the effect of missense changes on protein structure and function are either unavailable or do not agree on the potential impact of this missense change (SIFT: "Not Available"; PolyPhen-2: "Benign"; Align-GVGD: "Not Available"). This variant has not been reported in the literature in individuals with WWOX-related conditions. This variant is not present in population databases (ExAC no frequency). This sequence change replaces threonine with isoleucine at codon 102 of the WWOX protein (p.Thr102Ile). The threonine residue is weakly conserved and there is a moderate physicochemical difference between threonine and isoleucine.